The following is an entry in ClinVar:

ClinVar aggregate classification (germline): Uncertain significance (1 of 4 stars; one submission).

Conditions:
Emery-Dreifuss muscular dystrophy 5, autosomal dominant (EDMD5). Also called: EMERY-DREIFUSS MUSCULAR DYSTROPHY 5. Identifiers: Orphanet 261, MedGen C2751805, MONDO:0013072, OMIM 612999.

gnomAD v4.1: 8 of 1,614,124 alleles (0.0005%); highest among the groups gnomAD compares: Admixed American, 0.013%; no homozygotes.

Submission:

Labcorp Genetics (formerly Invitae), Labcorp
Classification: Uncertain significance for Emery-Dreifuss muscular dystrophy 5, autosomal dominant. Last evaluated: 2024-08-07. Review status: criteria provided, single submitter. Criteria: Invitae Variant Classification Sherloc (09022015). Collection method: clinical testing. Allele origin: germline.
Comment: This sequence change replaces phenylalanine, which is neutral and non-polar, with leucine, which is neutral and non-polar, at codon 5408 of the SYNE2 protein (p.Phe5408Leu). This variant is present in population databases (rs751035942, gnomAD 0.02%). This variant has not been reported in the literature in individuals affected with SYNE2-related conditions. An algorithm developed to predict the effect of missense changes on protein structure and function outputs the following: PolyPhen-2: "Benign". The leucine amino acid residue is found in multiple mammalian species, which suggests that this missense change does not adversely affect protein function. In summary, the available evidence is currently insufficient to determine the role of this variant in disease. Therefore, it has been classified as a Variant of Uncertain Significance.

NM_182914.3(SYNE2):c.16224T>G (p.Phe5408Leu)

Gene: SYNE2 (spectrin repeat containing nuclear envelope protein 2; plus strand). Cytogenetic location: 14q23.2.
Variant type: single nucleotide variant.
Coding change: c.16224T>G on transcript NM_182914.3 (MANE Select); coding-DNA position 16224, T replaced by G.
Protein change: p.Phe5408Leu; replaces phenylalanine 5408 with leucine.
Molecular consequence: missense variant.
Genome position (GRCh38, 1-based): chr14:64,162,201, T>G. VCF-style: chr14-64162201-T-G. GRCh37 (hg19) VCF-style: chr14-64628919-T-G.
Other names: c.16224T>G, p.Phe5408Leu (NM_015180.6); short protein forms F5408L.
Identifiers: ClinVar variation 3670540 (VCV003670540.2).